The following is an entry in ClinVar:

NM_006496.4(GNAI3):c.79G>T (p.Gly27Trp)

Genes: GNAI3 (G protein subunit alpha i3; plus strand), LOC129931108 (ATAC-STARR-seq lymphoblastoid active region 1445; plus strand). Cytogenetic location: 1p13.3.
Variant type: single nucleotide variant.
Coding change: c.79G>T on transcript NM_006496.4 (MANE Select); coding-DNA position 79, G replaced by T.
Protein change: p.Gly27Trp; replaces glycine 27 with tryptophan.
Molecular consequence: missense variant.
Genome position (GRCh38, 1-based): chr1:109,548,799, G>T. VCF-style: chr1-109548799-G-T. GRCh37 (hg19) VCF-style: chr1-110091421-G-T.
Other names: short protein forms G27W.
Identifiers: ClinVar variation 4885238 (VCV004885238.2).

ClinVar aggregate classification (germline): Uncertain significance (1 of 4 stars; one submission).

Submission:

Dasa
Classification: Uncertain significance. Last evaluated: 2025-12-04. Review status: criteria provided, single submitter. Criteria: DASA Assertion Criteria. Collection method: clinical testing. Allele origin: germline.
Comment: NM_006496.4(GNAI3):c.79G>T (p.Gly27Trp) is a missense variant that results in the substitution of glycine with tryptophan. This variant is rare in population databases. Computational prediction algorithms are consistent with a deleterious effect. The currently available literature and clinical evidence are not sufficient to establish a definitive association between this variant and the reported condition. Therefore, this variant is classified as a variant of uncertain significance.